The following is an entry in ClinVar:

NM_003384.3(VRK1):c.692A>G (p.Asp231Gly)

Gene: VRK1 (VRK serine/threonine kinase 1; plus strand). Cytogenetic location: 14q32.2.
Variant type: single nucleotide variant.
Coding change: c.692A>G on transcript NM_003384.3 (MANE Select); coding-DNA position 692, A replaced by G.
Protein change: p.Asp231Gly; replaces aspartic acid 231 with glycine.
Molecular consequence: missense variant.
Genome position (GRCh38, 1-based): chr14:96,855,339, A>G. VCF-style: chr14-96855339-A-G. GRCh37 (hg19) VCF-style: chr14-97321676-A-G.
Other names: short protein forms D231G.
Identifiers: ClinVar variation 956408 (VCV000956408.11), dbSNP rs757917768, ClinGen allele CA7339051.

ClinVar aggregate classification (germline): Uncertain significance (1 of 4 stars; one submission).

Conditions:
Pontocerebellar hypoplasia type 1A (PCH1A). Also called: PONTOCEREBELLAR HYPOPLASIA WITH ANTERIOR HORN CELL DISEASE; PONTOCEREBELLAR HYPOPLASIA WITH INFANTILE SPINAL MUSCULAR ATROPHY. Identifiers: Orphanet 2254, Orphanet 88616, MedGen C1843504, MONDO:0011866, OMIM 607596.

Allele frequency attached by ClinVar (database versions not stated): gnomAD exomes below 0.00001; ExAC 0.00001.
gnomAD v4.1: 1 of 1,614,100 alleles (0.000062%); highest among the groups gnomAD compares: South Asian, 0.0011%; no homozygotes.

Submission:

Labcorp Genetics (formerly Invitae), Labcorp
Classification: Uncertain significance for Pontocerebellar hypoplasia type 1A. Last evaluated: 2019-08-24. Review status: criteria provided, single submitter. Criteria: Invitae Variant Classification Sherloc (09022015). Collection method: clinical testing. Allele origin: germline.
Comment: In summary, the available evidence is currently insufficient to determine the role of this variant in disease. Therefore, it has been classified as a Variant of Uncertain Significance. Algorithms developed to predict the effect of missense changes on protein structure and function (SIFT, PolyPhen-2, Align-GVGD) all suggest that this variant is likely to be disruptive, but these predictions have not been confirmed by published functional studies and their clinical significance is uncertain. This variant has not been reported in the literature in individuals with VRK1-related conditions. This variant is present in population databases (rs757917768, ExAC 0.006%). This sequence change replaces aspartic acid with glycine at codon 231 of the VRK1 protein (p.Asp231Gly). The aspartic acid residue is highly conserved and there is a moderate physicochemical difference between aspartic acid and glycine.